The following is an entry in ClinVar:

ClinVar aggregate classification (germline): Uncertain significance. Review status: criteria provided, multiple submitters, no conflicts (2 of 4 stars). 2 submissions from 2 submitters: Uncertain significance (2). Last evaluated 2024-06-17.

Conditions:
Orofaciodigital syndrome type 6 (OFD6). Also called: OROFACIODIGITAL SYNDROME VI; OFDS VI; POLYDACTYLY, CLEFT LIP/PALATE OR LINGUAL LUMP, AND PSYCHOMOTOR RETARDATION; VARADI SYNDROME; VARADI-PAPP SYNDROME; Oral-facial-digital syndrome type 6. Identifiers: Orphanet 2754, MedGen C2745997, MONDO:0010176, OMIM 277170.
Joubert syndrome 17 (JBTS17). Identifiers: Orphanet 475, MedGen C3553264, MONDO:0013824, OMIM 614615.

Allele frequency attached by ClinVar (database versions not stated): TOPMed below 0.00001.

Submissions (2):

Labcorp Genetics (formerly Invitae), Labcorp
Classification: Uncertain significance. Last evaluated: 2024-06-17. Review status: criteria provided, single submitter. Criteria: Invitae Variant Classification Sherloc (09022015). Collection method: clinical testing. Allele origin: germline.
Comment: This sequence change replaces proline, which is neutral and non-polar, with serine, which is neutral and polar, at codon 3048 of the CPLANE1 protein (p.Pro3048Ser). This variant is not present in population databases (gnomAD no frequency). This variant has not been reported in the literature in individuals affected with CPLANE1-related conditions. ClinVar contains an entry for this variant (Variation ID: 2194422). Advanced modeling of protein sequence and biophysical properties (such as structural, functional, and spatial information, amino acid conservation, physicochemical variation, residue mobility, and thermodynamic stability) performed at Invitae indicates that this missense variant is not expected to disrupt CPLANE1 protein function with a negative predictive value of 95%. In summary, the available evidence is currently insufficient to determine the role of this variant in disease. Therefore, it has been classified as a Variant of Uncertain Significance.

Fulgent Genetics
Classification: Uncertain significance for Orofaciodigital syndrome type 6; Joubert syndrome 17. Last evaluated: 2023-12-23. Review status: criteria provided, single submitter. Criteria: ACMG Guidelines, 2015. Collection method: clinical testing. Allele origin: germline.

NM_001384732.1(CPLANE1):c.9304C>T (p.Pro3102Ser)

Gene: CPLANE1 (ciliogenesis and planar polarity effector complex subunit 1; minus strand). Cytogenetic location: 5p13.2.
Variant type: single nucleotide variant.
Coding change: c.9304C>T on transcript NM_001384732.1 (MANE Select); coding-DNA position 9304, C replaced by T.
Protein change: p.Pro3102Ser; replaces proline 3102 with serine.
Molecular consequence: missense variant.
Genome position (GRCh38, 1-based): chr5:37,120,222, G>A on the plus strand (C>T on the coding strand, the complement: CPLANE1 is on the minus strand). VCF-style: chr5-37120222-G-A. GRCh37 (hg19) VCF-style: chr5-37120324-G-A.
Other names: c.9142C>T, p.Pro3048Ser (NM_023073.4); c.9142C>T (NM_023073.3); short protein forms P3048S, P3102S.
Identifiers: ClinVar variation 2194422 (VCV002194422.4), dbSNP rs1762247795, ClinGen allele CA359493417.